The following is an entry in ClinVar:

NM_000277.3(PAH):c.1196_1199del (p.Val399fs)

Gene: PAH (phenylalanine hydroxylase; minus strand). Cytogenetic location: 12q23.2.
Variant type: Deletion.
Coding change: c.1196_1199del on transcript NM_000277.3 (MANE Select); coding-DNA positions 1196 to 1199, 4 bases deleted (TAAG; older notation c.1196_1199delTAAG).
Protein change: p.Val399fs; shifts the reading frame from valine 399.
Molecular consequence: frameshift variant.
Genome position (GRCh38, 1-based): chr12:102,843,646-102,843,649, CTTA deleted on the plus strand (TAAG on the coding strand, the reverse complement: PAH is on the minus strand); deleting any 4 consecutive bases within chr12:102,843,646-102,843,652 gives the same sequence; the c. name uses the placement nearest the transcript's 3' end. VCF-style (leftmost placement, unchanged base first): chr12-102843645-CCTTA-C. GRCh37 (hg19) VCF-style: chr12-103237423-CCTTA-C.
Other names: NM_000277.3(PAH):c.1196_1199del; p.Val399fs; c.1196_1199del, p.Val399fs (NM_001354304.2); short protein forms V399fs.
Identifiers: ClinVar variation 102551 (VCV000102551.2), dbSNP rs199475603, ClinGen allele CA229378.

ClinVar aggregate classification (germline): Likely pathogenic. Review status: reviewed by expert panel (3 of 4 stars). 2 submissions from 2 submitters: Likely pathogenic (1). 1 of the submissions does not count toward it. Last evaluated 2022-10-14.

Conditions:
Phenylketonuria (PKU). Also called: Phenylketonuria (PKU); FOLLING DISEASE; OLIGOPHRENIA PHENYLPYRUVICA; Phenylketonurias. Identifiers: Orphanet 716, MedGen C0031485, MONDO:0009861, OMIM 261600. Disease mechanism: loss of function.

Submissions (2):

ClinGen PAH Variant Curation Expert Panel
Classification: Likely pathogenic for Phenylketonuria. Last evaluated: 2022-10-14. Review status: reviewed by expert panel. Criteria: ClinGen PAH ACMG Specifications v1. Collection method: curation. Allele origin: germline. Inheritance: Autosomal recessive inheritance.
Comment: The NM_000277.3(PAH):c.1196_1199del (p.Val399Glyfs*52) is a frameshift variant in exon 11 of 13 that may cause loss of function of the protein, however it is predicted to escape nonsense mediated decay. Exon 13 is considered a critical region because it (along with Exon 12) forms the oligomerization domain (residues 411-452), which is responsible for the dimerization and tetramerization of the enzyme, important for regulation of PAH activity (PVS1_Strong). At least one patient (Case 154 in PMID: 8807331) with this variant had classical PKU with a serum phenylalanine level of 2131 umol/L (above the >120 umol/L requirement). Exclusion of a defect of BH4 cofactor metabolism was not reported (PP4). Case 154 (PMID: 8807331) is compound heterozygous for c.196_1199del and Arg408Trp (ClinVar 577, classified Pathogenic by the PAH VCEP; PM3). This variant is absent from gnomAD v2.1.1 (PM2). In summary, this variant meets the criteria to be classified as likely pathogenic for autosomal recessive phenylketonuria based on the ACMG/AMP criteria applied, as specified by the ClinGen PAH VCEP: PVS1_strong, PP4, PM3, PM2. (PAH VCEP specifications version 1).

DeBelle Laboratory for Biochemical Genetics, MUHC/MCH RESEARCH INSTITUTE
No classification provided. Review status: no classification provided. Collection method: not provided. Allele origin: not provided. Not counted in ClinVar's aggregate classification.